The following is an entry in ClinVar:

ClinVar aggregate classification (germline): Uncertain significance. Review status: criteria provided, multiple submitters, no conflicts (2 of 4 stars). 3 submissions from 3 submitters: Uncertain significance (3). Last evaluated 2025-10-15.

Conditions:
Dilated cardiomyopathy 1G (CMD1G). Identifiers: Orphanet 154, MedGen C1858763, MONDO:0011400, OMIM 604145.
Myopathy, myofibrillar, 9, with early respiratory failure (MFM9). Also called: Myopathy, distal, with early respiratory failure, autosomal dominant; EDSTROM MYOPATHY; Hereditary myopathy with early respiratory failure; MYOPATHY, PROXIMAL, WITH EARLY RESPIRATORY MUSCLE INVOLVEMENT. Identifiers: Orphanet 178464, Orphanet 34521, MedGen C1863599, MONDO:0011362, OMIM 603689.
Early-onset myopathy with fatal cardiomyopathy (CMYO5). Also called: CONGENITAL MYOPATHY 5 WITH CARDIOMYOPATHY; Salih Myopathy. Identifiers: Orphanet 289377, MedGen C2673677, MONDO:0012714, OMIM 611705. Disease mechanism: loss of function.
Autosomal recessive limb-girdle muscular dystrophy type 2J (LGMDR10). Also called: MUSCULAR DYSTROPHY, LIMB-GIRDLE, AUTOSOMAL RECESSIVE 10; Limb-girdle muscular dystrophy, type 2J. Identifiers: Orphanet 140922, MedGen C1837342, MONDO:0012127, OMIM 608807.
Hypertrophic cardiomyopathy 9. Also called: Familial hypertrophic cardiomyopathy 9. Identifiers: MedGen C1861065, MONDO:0013412, OMIM 613765.
Tibial muscular dystrophy (TMD). Also called: Udd Distal Myopathy – Tibial Muscular Dystrophy; Tibial muscular dystrophy, tardive; UDD MYOPATHY. Identifiers: Orphanet 609, MedGen C1838244, MONDO:0010870, OMIM 600334.
TTN-related disorder. Also called: TTN-related condition; TTN-related disease; TTN-related disorders.

Allele frequency attached by ClinVar (database versions not stated): gnomAD 0.00003; TOPMed 0.00003; gnomAD exomes 0.00004; ExAC 0.00005.
gnomAD v4.1: 12 of 1,599,474 alleles (0.00075%); highest among the groups gnomAD compares: Admixed American, 0.019%; no homozygotes.

Submissions (3):

PreventionGenetics, part of Exact Sciences
Classification: Uncertain significance for TTN-related condition. Last evaluated: 2025-10-15. Review status: criteria provided, single submitter. Criteria: ACMG Guidelines, 2015. Collection method: clinical testing. Allele origin: germline.
Comment: The TTN c.35717C>G variant is predicted to result in the amino acid substitution p.Pro11906Arg. To our knowledge, this variant has not been reported in the literature. This variant is reported in 0.030% of alleles in individuals of Latino descent in gnomAD. At this time, the clinical significance of this variant is uncertain due to the absence of conclusive functional and genetic evidence.

Fulgent Genetics
Classification: Uncertain significance for Tibial muscular dystrophy; Myopathy, myofibrillar, 9, with early respiratory failure; Dilated cardiomyopathy 1G; Autosomal recessive limb-girdle muscular dystrophy type 2J; Early-onset myopathy with fatal cardiomyopathy; Hypertrophic cardiomyopathy 9. Last evaluated: 2021-10-26. Review status: criteria provided, single submitter. Criteria: ACMG Guidelines, 2015. Collection method: clinical testing. Allele origin: unknown.

Labcorp Genetics (formerly Invitae), Labcorp
Classification: Uncertain significance for Dilated cardiomyopathy 1G; Autosomal recessive limb-girdle muscular dystrophy type 2J. Last evaluated: 2017-12-06. Review status: criteria provided, single submitter. Criteria: Invitae Variant Classification Sherloc (09022015). Collection method: clinical testing. Allele origin: germline.

NM_001267550.2(TTN):c.35717C>G (p.Pro11906Arg)

Gene: TTN (titin; minus strand). Cytogenetic location: 2q31.2.
Variant type: single nucleotide variant.
Coding change: c.35717C>G on transcript NM_001267550.2 (MANE Select); coding-DNA position 35717, C replaced by G.
Protein change: p.Pro11906Arg; replaces proline 11906 with arginine.
Molecular consequence: missense variant. On other transcripts: intron variant (5).
Genome position (GRCh38, 1-based): chr2:178,667,316, G>C on the plus strand (C>G on the coding strand, the complement: TTN is on the minus strand). VCF-style: chr2-178667316-G-C. GRCh37 (hg19) VCF-style: chr2-179532043-G-C.
Other names: c.13283-24999C>G (NM_003319.4); c.13859-24999C>G (NM_133437.4); c.13658-24999C>G (NM_133432.3); c.31483+2902C>G (NM_133378.4); c.34264+2902C>G (NM_001256850.1); short protein forms P11906R.
Identifiers: ClinVar variation 535477 (VCV000535477.5), dbSNP rs781317174, ClinGen allele CA1997745.